The following is an entry in ClinVar:

ClinVar aggregate classification (germline): Likely pathogenic (1 of 4 stars; one submission).

Conditions:
Dilated cardiomyopathy 1G (CMD1G). Identifiers: Orphanet 154, MedGen C1858763, MONDO:0011400, OMIM 604145.

Submission:

MVZ Medizinische Genetik Mainz
Classification: Likely pathogenic for Dilated cardiomyopathy 1G. Last evaluated: 2025-11-25. Review status: criteria provided, single submitter. Criteria: UK Practice Guidelines For Variant Classification V4 01 2020. Collection method: clinical testing. Allele origin: germline. Inheritance: Autosomal dominant inheritance. Affected: yes. Observed: 1 variant allele.
Comment: ACMG Criteria: PVS1,PM2_SUP

NM_001267550.2(TTN):c.58950T>A (p.Tyr19650Ter)

Genes: TTN (titin; minus strand), TTN-AS1 (TTN antisense RNA 1; plus strand). Cytogenetic location: 2q31.2.
Variant type: single nucleotide variant.
Coding change: c.58950T>A on transcript NM_001267550.2 (MANE Select); coding-DNA position 58950, T replaced by A.
Protein change: p.Tyr19650Ter; replaces tyrosine 19650 with a stop codon.
Molecular consequence: nonsense.
Genome position (GRCh38, 1-based): chr2:178,593,258, A>T on the plus strand (T>A on the coding strand, the complement: TTN is on the minus strand). VCF-style: chr2-178593258-A-T. GRCh37 (hg19) VCF-style: chr2-179457985-A-T.
Other names: c.54027T>A, p.Tyr18009Ter (NM_001256850.1); c.31755T>A, p.Tyr10585Ter (NM_003319.4); c.51246T>A, p.Tyr17082Ter (NM_133378.4); c.32130T>A, p.Tyr10710Ter (NM_133432.3); c.32331T>A, p.Tyr10777Ter (NM_133437.4); short protein forms Y10585*, Y10710*, Y10777*, Y17082*, Y18009*, Y19650*.
Identifiers: ClinVar variation 4540407 (VCV004540407.1).